The following is an entry in ClinVar:

ClinVar aggregate classification (germline): Uncertain significance (1 of 4 stars; one submission).

Conditions:
Long QT syndrome (LQTS). Identifiers: MedGen C0023976, MeSH D008133, MONDO:0002442. Disease mechanism: loss of function. Inheritance: Various modes of inheritance.

gnomAD v4.1: 9 of 1,612,770 alleles (0.00056%); highest among the groups gnomAD compares: Non-Finnish European, 0.00076%; no homozygotes.

Submission:

Labcorp Genetics (formerly Invitae), Labcorp
Classification: Uncertain significance for Long QT syndrome. Last evaluated: 2022-12-08. Review status: criteria provided, single submitter. Criteria: Invitae Variant Classification Sherloc (09022015). Collection method: clinical testing. Allele origin: germline.
Comment: This sequence change replaces threonine, which is neutral and polar, with lysine, which is basic and polar, at codon 370 of the SNTA1 protein (p.Thr370Lys). The frequency data for this variant in the population databases is considered unreliable, as metrics indicate poor data quality at this position in the gnomAD database. This variant has not been reported in the literature in individuals affected with SNTA1-related conditions. Advanced modeling of protein sequence and biophysical properties (such as structural, functional, and spatial information, amino acid conservation, physicochemical variation, residue mobility, and thermodynamic stability) performed at Invitae indicates that this missense variant is not expected to disrupt SNTA1 protein function. Algorithms developed to predict the effect of sequence changes on RNA splicing suggest that this variant may disrupt the consensus splice site. In summary, the available evidence is currently insufficient to determine the role of this variant in disease. Therefore, it has been classified as a Variant of Uncertain Significance.

NM_003098.3(SNTA1):c.1109C>A (p.Thr370Lys)

Gene: SNTA1 (syntrophin alpha 1; minus strand). Cytogenetic location: 20q11.21.
Variant type: single nucleotide variant.
Coding change: c.1109C>A on transcript NM_003098.3 (MANE Select); coding-DNA position 1109, C replaced by A.
Protein change: p.Thr370Lys; replaces threonine 370 with lysine.
Molecular consequence: missense variant.
Genome position (GRCh38, 1-based): chr20:33,410,263, G>T on the plus strand (C>A on the coding strand, the complement: SNTA1 is on the minus strand). VCF-style: chr20-33410263-G-T. GRCh37 (hg19) VCF-style: chr20-31998069-G-T.
Other names: short protein forms T370K.
Identifiers: ClinVar variation 2075751 (VCV002075751.4), dbSNP rs746227626, ClinGen allele CA408630736.